The following is an entry in ClinVar:

NM_000551.4(VHL):c.71G>A (p.Gly24Asp)

Gene: VHL (von Hippel-Lindau tumor suppressor; plus strand). Cytogenetic location: 3p25.3.
Variant type: single nucleotide variant.
Coding change: c.71G>A on transcript NM_000551.4 (MANE Select); coding-DNA position 71, G replaced by A.
Protein change: p.Gly24Asp; replaces glycine 24 with aspartic acid.
Molecular consequence: missense variant.
Genome position (GRCh38, 1-based): chr3:10,141,918, G>A. VCF-style: chr3-10141918-G-A. GRCh37 (hg19) VCF-style: chr3-10183602-G-A.
Other names: c.71G>A, p.Gly24Asp (NM_001354723.2, NM_198156.3); short protein forms G24D.
Identifiers: ClinVar variation 238113 (VCV000238113.18), dbSNP rs878854129, ClinGen allele CA10582111.

ClinVar aggregate classification (germline): Uncertain significance. Review status: criteria provided, multiple submitters, no conflicts (2 of 4 stars). 6 submissions from 6 submitters: Uncertain significance (5). 1 of the submissions does not count toward it. Last evaluated 2026-01-25.

Conditions:
Hereditary cancer-predisposing syndrome. Also called: Tumor predisposition; Hereditary Cancer Syndrome; Hereditary neoplastic syndrome; Neoplastic Syndromes, Hereditary. Identifiers: Orphanet 140162, MedGen C0027672, MeSH D009386, MONDO:0015356.
Chuvash polycythemia. Also called: POLYCYTHEMIA, VHL-DEPENDENT. Identifiers: Orphanet 238557, MedGen C1837915, MONDO:0009892, OMIM 263400.
Von Hippel-Lindau syndrome (VHLS). Also called: von Hippel–Lindau syndrome; VHL syndrome; Von Hippel-Lindau. Identifiers: Orphanet 892, MedGen C0019562, MONDO:0008667, OMIM 193300. Disease mechanism: loss of function.

Allele frequency attached by ClinVar (database versions not stated): gnomAD 0.00001; gnomAD exomes 0.00001; TOPMed 0.00001.
gnomAD v4.1: 8 of 1,539,546 alleles (0.00052%); highest among the groups gnomAD compares: Non-Finnish European, 0.0007%; no homozygotes.

Submissions (6):

Labcorp Genetics (formerly Invitae), Labcorp
Classification: Uncertain significance for Von Hippel-Lindau syndrome; Chuvash polycythemia. Last evaluated: 2026-01-25. Review status: criteria provided, single submitter. Criteria: Invitae Variant Classification Sherloc (09022015). Collection method: clinical testing. Allele origin: germline.
Comment: This sequence change replaces glycine, which is neutral and non-polar, with aspartic acid, which is acidic and polar, at codon 24 of the VHL protein (p.Gly24Asp). The frequency data for this variant in the population databases is considered unreliable, as metrics indicate poor data quality at this position in the gnomAD database. This variant has not been reported in the literature in individuals affected with VHL-related conditions. ClinVar contains an entry for this variant (Variation ID: 238113). Invitae Evidence Modeling of protein sequence and biophysical properties (such as structural, functional, and spatial information, amino acid conservation, physicochemical variation, residue mobility, and thermodynamic stability) indicates that this missense variant is not expected to disrupt VHL protein function with a negative predictive value of 95%. In summary, the available evidence is currently insufficient to determine the role of this variant in disease. Therefore, it has been classified as a Variant of Uncertain Significance.

Color Diagnostics, LLC DBA Color Health
Classification: Uncertain significance for Von Hippel-Lindau syndrome. Last evaluated: 2025-07-14. Review status: criteria provided, single submitter. Criteria: ACMG Guidelines, 2015. Collection method: clinical testing. Allele origin: germline.
Comment: This missense variant replaces glycine with aspartic acid at codon 24 of the VHL protein. Computational prediction suggests that this variant may not impact protein structure and function. To our knowledge, functional studies have not been reported for this variant. This variant has not been reported in individuals affected with VHL-related disorders in the literature. This variant has been identified in 1/144544 chromosomes in the general population by the Genome Aggregation Database (gnomAD). The available evidence is insufficient to determine the role of this variant in disease conclusively. Therefore, this variant is classified as a Variant of Uncertain Significance.

Ambry Genetics
Classification: Uncertain significance for Hereditary cancer-predisposing syndrome. Last evaluated: 2025-04-06. Review status: criteria provided, single submitter. Criteria: Ambry Variant Classification Scheme 2023. Collection method: clinical testing. Allele origin: germline.
Comment: The p.G24D variant (also known as c.71G>A), located in coding exon 1 of the VHL gene, results from a G to A substitution at nucleotide position 71. The glycine at codon 24 is replaced by aspartic acid, an amino acid with similar properties. This amino acid position is well conserved in available vertebrate species. In addition, the in silico prediction for this alteration is inconclusive. Since supporting evidence is limited at this time, the clinical significance of this alteration remains unclear.

All of Us Research Program, National Institutes of Health
Classification: Uncertain significance for Von Hippel-Lindau syndrome. Last evaluated: 2023-12-01. Review status: criteria provided, single submitter. Criteria: ACMG Guidelines, 2015. Collection method: clinical testing. Allele origin: germline. Inheritance: Autosomal dominant inheritance. Observed: 4 variant alleles, 4 heterozygotes.
Comment: This missense variant replaces glycine with aspartic acid at codon 24 of the VHL protein. Computational prediction suggests that this variant may not impact protein structure and function (internally defined REVEL score threshold <= 0.5, PMID: 27666373). To our knowledge, functional studies have not been reported for this variant. This variant has not been reported in individuals affected with VHL-related disorders in the literature. This variant has been identified in 1/144544 chromosomes in the general population by the Genome Aggregation Database (gnomAD). The available evidence is insufficient to determine the role of this variant in disease conclusively. Therefore, this variant is classified as a Variant of Uncertain Significance.

This study involves interpretation of variants in research participants for the purpose of population health screening. Participant phenotype was not available at the time of variant classification. Additional details can be found in publication PMID: 35346344, PMCID: PMC8962531

Baylor Genetics
Classification: Uncertain significance for Chuvash polycythemia. Last evaluated: 2023-07-20. Review status: criteria provided, single submitter. Criteria: ACMG Guidelines, 2015. Collection method: clinical testing. Allele origin: unknown.

Counsyl
Classification: Uncertain significance for Von Hippel-Lindau syndrome. Last evaluated: 2016-07-19. Review status: no assertion criteria provided. Collection method: clinical testing. Allele origin: unknown. Not counted in ClinVar's aggregate classification.